The following is an entry in ClinVar:

ClinVar aggregate classification (germline): Uncertain significance (1 of 4 stars; one submission).

Conditions:
Gingival fibromatosis-hypertrichosis syndrome. Also called: HYPERTRICHOSIS, CONGENITAL GENERALIZED, 3, WITH OR WITHOUT GINGIVAL HYPERPLASIA. Identifiers: Orphanet 2026, MedGen C1851120, MONDO:0007610, OMIM 135400.

gnomAD v4.1: 4 of 1,587,312 alleles (0.00025%); highest among the groups gnomAD compares: East Asian, 0.0092%; no homozygotes.

Submission:

Foundation for Research in Genetics and Endocrinology, FRIGE's Institute of Human Genetics
Classification: Uncertain significance for Gingival fibromatosis-hypertrichosis syndrome. Last evaluated: 2024-09-13. Review status: criteria provided, single submitter. Criteria: ACMG Guidelines, 2015. Collection method: clinical testing. Allele origin: germline. Inheritance: Autosomal recessive inheritance. Affected: yes. Observed: 1 homozygote.
Comment: A homozygous variation in exon 22 of the ABCA5 gene that results in the amino acid substitution of Leucine for Proline at codon 1007 was detected. The observed variant c.3020C>T (p.Pro1007Leu) has not been reported in the 1000 genomes and MAF in 0.0003% in gnomAD databases. The in silico prediction of the variant are possibly damaging by PolyPhen-2, SIFT and MutationTaster2. The reference codon is conserved across species. In summary, the variant meets our criteria to be classified as a variant of uncertain significance.

NM_172232.4(ABCA5):c.3020C>T (p.Pro1007Leu)

Gene: ABCA5 (ATP binding cassette subfamily A member 5; minus strand). Cytogenetic location: 17q24.3.
Variant type: single nucleotide variant.
Coding change: c.3020C>T on transcript NM_172232.4 (MANE Select); coding-DNA position 3020, C replaced by T.
Protein change: p.Pro1007Leu; replaces proline 1007 with leucine.
Molecular consequence: missense variant.
Genome position (GRCh38, 1-based): chr17:69,270,623, G>A on the plus strand (C>T on the coding strand, the complement: ABCA5 is on the minus strand). VCF-style: chr17-69270623-G-A. GRCh37 (hg19) VCF-style: chr17-67266764-G-A.
Other names: p.Pro1007Leu; c.3020C>T, p.Pro1007Leu (NM_018672.5); short protein forms P1007L.
Identifiers: ClinVar variation 3366874 (VCV003366874.2).